The following is an entry in ClinVar:

ClinVar aggregate classification (germline): Uncertain significance (1 of 4 stars; one submission).

gnomAD v4.1: 3 of 1,614,188 alleles (0.00019%); highest among the groups gnomAD compares: Non-Finnish European, 0.00025%; no homozygotes.

Submission:

Women's Health and Genetics/Laboratory Corporation of America, LabCorp
Classification: Uncertain significance. Last evaluated: 2024-08-22. Review status: criteria provided, single submitter. Criteria: LabCorp Variant Classification Summary - May 2015. Collection method: clinical testing. Allele origin: germline.
Comment: Variant summary: DYNC1H1 c.12022T>C (p.Phe4008Leu) results in a non-conservative amino acid change in the encoded protein sequence. Three of five in-silico tools predict a benign effect of the variant on protein function. The variant allele was found at a frequency of 4e-06 in 251426 control chromosomes. The available data on variant occurrences in the general population are insufficient to allow any conclusion about variant significance. To our knowledge, no occurrence of c.12022T>C in individuals affected with DYNC1H1-Related Disorders and no experimental evidence demonstrating its impact on protein function have been reported. No submitters have cited clinical-significance assessments for this variant to ClinVar. Based on the evidence outlined above, the variant was classified as uncertain significance.

NM_001376.5(DYNC1H1):c.12022T>C (p.Phe4008Leu)

Gene: DYNC1H1 (dynein cytoplasmic 1 heavy chain 1; plus strand). Cytogenetic location: 14q32.31.
Variant type: single nucleotide variant.
Coding change: c.12022T>C on transcript NM_001376.5 (MANE Select); coding-DNA position 12022, T replaced by C.
Protein change: p.Phe4008Leu; replaces phenylalanine 4008 with leucine.
Molecular consequence: missense variant.
Genome position (GRCh38, 1-based): chr14:102,041,654, T>C. VCF-style: chr14-102041654-T-C. GRCh37 (hg19) VCF-style: chr14-102507991-T-C.
Other names: short protein forms F4008L.
Identifiers: ClinVar variation 3366649 (VCV003366649.1).